The following is an entry in ClinVar:

ClinVar aggregate classification (germline): Uncertain significance. Review status: criteria provided, multiple submitters, no conflicts (2 of 4 stars). 2 submissions from 2 submitters: Uncertain significance (2). Last evaluated 2021-08-16.

Conditions:
DICER1-related tumor predisposition. Also called: DICER1-related pleuropulmonary blastoma cancer predisposition syndrome; DICER1 syndrome. Identifiers: Orphanet 284343, MedGen C3839822, MONDO:0100216.
Hereditary cancer-predisposing syndrome. Also called: Tumor predisposition; Neoplastic Syndromes, Hereditary; Hereditary Cancer Syndrome; Hereditary neoplastic syndrome. Identifiers: Orphanet 140162, MedGen C0027672, MeSH D009386, MONDO:0015356.

gnomAD v4.1: 1 of 1,614,126 alleles (0.000062%); no homozygotes.

Submissions (2):

Ambry Genetics
Classification: Uncertain significance for Hereditary cancer-predisposing syndrome. Last evaluated: 2021-08-16. Review status: criteria provided, single submitter. Criteria: Ambry Variant Classification Scheme 2023. Collection method: clinical testing. Allele origin: germline.
Comment: The p.D873G variant (also known as c.2618A>G), located in coding exon 15 of the DICER1 gene, results from an A to G substitution at nucleotide position 2618. The aspartic acid at codon 873 is replaced by glycine, an amino acid with similar properties. This amino acid position is well conserved in available vertebrate species. In addition, the in silico prediction for this alteration is inconclusive. Since supporting evidence is limited at this time, the clinical significance of this alteration remains unclear.

Labcorp Genetics (formerly Invitae), Labcorp
Classification: Uncertain significance for DICER1-related tumor predisposition. Last evaluated: 2017-05-21. Review status: criteria provided, single submitter. Criteria: Invitae Variant Classification Sherloc (09022015). Collection method: clinical testing. Allele origin: germline.
Comment: In summary, this variant has uncertain impact on DICER1 function. The available evidence is currently insufficient to determine its role in disease. Therefore, it has been classified as a Variant of Uncertain Significance. Algorithms developed to predict the effect of missense changes on protein structure and function do not agree on the potential impact of this missense change (SIFT: "Tolerated"; PolyPhen-2: "Possibly Damaging"; Align-GVGD: "Class C0"). This variant has not been reported in the literature in individuals with a DICER1-related disease. This variant is not present in population databases (ExAC no frequency). This sequence change replaces aspartic acid with glycine at codon 873 of the DICER1 protein (p.Asp873Gly). The aspartic acid residue is moderately conserved and there is a moderate physicochemical difference between aspartic acid and glycine.

NM_177438.3(DICER1):c.2618A>G (p.Asp873Gly)

Gene: DICER1 (dicer 1, ribonuclease III; minus strand). Cytogenetic location: 14q32.13.
Variant type: single nucleotide variant.
Coding change: c.2618A>G on transcript NM_177438.3 (MANE Select); coding-DNA position 2618, A replaced by G.
Protein change: p.Asp873Gly; replaces aspartic acid 873 with glycine.
Molecular consequence: missense variant.
Genome position (GRCh38, 1-based): chr14:95,107,912, T>C on the plus strand (A>G on the coding strand, the complement: DICER1 is on the minus strand). VCF-style: chr14-95107912-T-C. GRCh37 (hg19) VCF-style: chr14-95574249-T-C.
Other names: c.2618A>G, p.Asp873Gly (NM_001195573.1, NM_001271282.3, NM_001291628.2 and 1 more transcripts); short protein forms D873G.
Identifiers: ClinVar variation 477110 (VCV000477110.12), dbSNP rs1555370765, ClinGen allele CA390881287.